The following is an entry in ClinVar:

NM_017780.4(CHD7):c.5995G>C (p.Ala1999Pro)

Gene: CHD7 (chromodomain helicase DNA binding protein 7; plus strand). Cytogenetic location: 8q12.2.
Variant type: single nucleotide variant.
Coding change: c.5995G>C on transcript NM_017780.4 (MANE Select); coding-DNA position 5995, G replaced by C.
Protein change: p.Ala1999Pro; replaces alanine 1999 with proline.
Molecular consequence: missense variant. On other transcripts: intron variant (1).
Genome position (GRCh38, 1-based): chr8:60,852,598, G>C. VCF-style: chr8-60852598-G-C. GRCh37 (hg19) VCF-style: chr8-61765157-G-C.
Other names: c.1717-9631G>C (NM_001316690.1); short protein forms A1999P.
Identifiers: ClinVar variation 1306107 (VCV001306107.2), dbSNP rs1064794548, ClinGen allele CA371323886.

ClinVar aggregate classification (germline): Uncertain significance (1 of 4 stars; one submission).

Submission:

GeneDx
Classification: Uncertain significance. Last evaluated: 2019-05-22. Review status: criteria provided, single submitter. Criteria: GeneDx Variant Classification Process June 2021. Collection method: clinical testing. Allele origin: germline. Affected: yes.
Comment: Not observed in large population cohorts (Lek et al., 2016); In silico analysis, which includes protein predictors and evolutionary conservation, supports a deleterious effect; Has not been previously published as pathogenic or benign to our knowledge